The following is an entry in ClinVar:

NM_001374736.1(DST):c.5081C>T (p.Thr1694Ile)

Gene: DST (dystonin; minus strand). Cytogenetic location: 6p12.1.
Variant type: single nucleotide variant.
Coding change: c.5081C>T on transcript NM_001374736.1 (MANE Select); coding-DNA position 5081, C replaced by T.
Protein change: p.Thr1694Ile; replaces threonine 1694 with isoleucine.
Molecular consequence: missense variant.
Genome position (GRCh38, 1-based): chr6:56,611,574, G>A on the plus strand (C>T on the coding strand, the complement: DST is on the minus strand). VCF-style: chr6-56611574-G-A. GRCh37 (hg19) VCF-style: chr6-56476372-G-A.
Other names: c.4982C>T, p.Thr1661Ile (NM_001144769.5); c.4568C>T, p.Thr1523Ile (NM_001144770.2); c.5081C>T, p.Thr1694Ile (NM_001374722.1); c.4448C>T, p.Thr1483Ile (NM_001374729.1, NM_001374730.1, NM_001386100.1 and 1 more transcripts); c.5108C>T, p.Thr1703Ile (NM_001374734.1); c.3470C>T, p.Thr1157Ile (NM_015548.5); short protein forms T1523I, T1661I, T1694I, T1703I, T1157I, T1483I.
Identifiers: ClinVar variation 1510049 (VCV001510049.6), dbSNP rs1199859898, ClinGen allele CA364561523.

ClinVar aggregate classification (germline): Uncertain significance (1 of 4 stars; one submission).

Conditions:
Hereditary sensory and autonomic neuropathy type 6. Also called: Neuropathy, hereditary sensory and autonomic, type VI; HSAN VI. Identifiers: Orphanet 314381, MedGen C3539003, MONDO:0013839, OMIM 614653.
Epidermolysis bullosa simplex 3, localized or generalized intermediate, with BP230 deficiency (EBS3). Also called: Epidermolysis bullosa simplex due to BP230 deficiency; Epidermolysis bullosa simplex, autosomal recessive 2. Identifiers: Orphanet 412181, MedGen C3809470, MONDO:0014180, OMIM 615425.

gnomAD v4.1: 1 of 1,612,480 alleles (0.000062%); highest among the groups gnomAD compares: South Asian, 0.0011%; no homozygotes.

Submission:

Labcorp Genetics (formerly Invitae), Labcorp
Classification: Uncertain significance for Epidermolysis bullosa simplex 3, localized or generalized intermediate, with BP230 deficiency; Hereditary sensory and autonomic neuropathy type 6. Last evaluated: 2022-07-18. Review status: criteria provided, single submitter. Criteria: Invitae Variant Classification Sherloc (09022015). Collection method: clinical testing. Allele origin: germline.
Comment: Experimental studies and prediction algorithms are not available or were not evaluated, and the functional significance of this variant is currently unknown. In summary, the available evidence is currently insufficient to determine the role of this variant in disease. Therefore, it has been classified as a Variant of Uncertain Significance. This variant has not been reported in the literature in individuals affected with DST-related conditions. This variant is not present in population databases (gnomAD no frequency). This sequence change replaces threonine, which is neutral and polar, with isoleucine, which is neutral and non-polar, at codon 1157 of the DST protein (p.Thr1157Ile). This sequence change replaces threonine with isoleucine at codon 1157 of the DST protein (p.Thr1157Ile). The DST gene has multiple clinically relevant transcripts. This variant occurs in alternate transcript NM_015548.4, and corresponds to NM_001723.5:c.*3943C>T in the primary transcript.